The following is an entry in ClinVar:

NM_001430.5(EPAS1):c.1628G>C (p.Ser543Thr)

Gene: EPAS1 (endothelial PAS domain protein 1; plus strand). Cytogenetic location: 2p21.
Variant type: single nucleotide variant.
Coding change: c.1628G>C on transcript NM_001430.5 (MANE Select); coding-DNA position 1628, G replaced by C.
Protein change: p.Ser543Thr; replaces serine 543 with threonine.
Molecular consequence: missense variant.
Genome position (GRCh38, 1-based): chr2:46,380,300, G>C. VCF-style: chr2-46380300-G-C. GRCh37 (hg19) VCF-style: chr2-46607439-G-C.
Other names: short protein forms S543T.
Identifiers: ClinVar variation 1776741 (VCV001776741.2), dbSNP rs2546476721, ClinGen allele CA346704542.
Genomic context (GRCh38, chr2:46,380,300, plus strand): 5'-AGCTGGACTTGGAGACACTGGCACCCTATATCCCCATGGACGGGGAAGACTTCCAGCTAA[G>C]CCCCATCTGCCCCGAGGAGCGGCTCTTGGCGGAGAACCCACAGTCCACCCCCCAGCACTG-3'
Protein context (NP_001421.2, residues 533-553): IPMDGEDFQL[Ser543Thr]PICPEERLLA

ClinVar aggregate classification (germline): Uncertain significance (1 of 4 stars; one submission).

Conditions:
Inborn genetic diseases. Identifiers: MedGen C0950123, MeSH D030342.

Allele frequency attached by ClinVar (database versions not stated): gnomAD exomes below 0.00001.
gnomAD v4.1: 8 of 1,614,062 alleles (0.0005%); highest among the groups gnomAD compares: Non-Finnish European, 0.00051%; no homozygotes.

Submission:

Ambry Genetics
Classification: Uncertain significance for Inborn genetic diseases. Last evaluated: 2024-01-25. Review status: criteria provided, single submitter. Criteria: Ambry Variant Classification Scheme 2023. Collection method: clinical testing. Allele origin: germline.
Comment: The p.S543T variant (also known as c.1628G>C), located in coding exon 12 of the EPAS1 gene, results from a G to C substitution at nucleotide position 1628. The serine at codon 543 is replaced by threonine, an amino acid with similar properties. This amino acid position is conserved. In addition, this alteration is predicted to be tolerated by in silico analysis. Since supporting evidence is limited at this time, the clinical significance of this alteration remains unclear.